The following is an entry in ClinVar:

NM_001042492.3(NF1):c.3069G>T (p.Met1023Ile)

Gene: NF1 (neurofibromin 1; plus strand). Cytogenetic location: 17q11.2.
Variant type: single nucleotide variant.
Coding change: c.3069G>T on transcript NM_001042492.3 (MANE Select); coding-DNA position 3069, G replaced by T.
Protein change: p.Met1023Ile; replaces methionine 1023 with isoleucine.
Molecular consequence: missense variant.
Genome position (GRCh38, 1-based): chr17:31,230,338, G>T. VCF-style: chr17-31230338-G-T. GRCh37 (hg19) VCF-style: chr17-29557356-G-T.
Other names: c.3069G>T, p.Met1023Ile (NM_000267.4); short protein forms M1023I.
Identifiers: ClinVar variation 2452269 (VCV002452269.2), dbSNP rs2151431668, ClinGen allele CA398987459.

ClinVar aggregate classification (germline): Uncertain significance (1 of 4 stars; one submission).

Conditions:
Hereditary cancer-predisposing syndrome. Also called: Neoplastic Syndromes, Hereditary; Tumor predisposition; Hereditary neoplastic syndrome; Hereditary Cancer Syndrome. Identifiers: Orphanet 140162, MedGen C0027672, MeSH D009386, MONDO:0015356.
Cardiovascular phenotype. Identifiers: MedGen CN230736.

Submission:

Ambry Genetics
Classification: Uncertain significance for Cardiovascular phenotype; Hereditary cancer-predisposing syndrome. Last evaluated: 2023-01-12. Review status: criteria provided, single submitter. Criteria: Ambry Variant Classification Scheme 2023. Collection method: clinical testing. Allele origin: germline.
Comment: The p.M1023I variant (also known as c.3069G>T), located in coding exon 23 of the NF1 gene, results from a G to T substitution at nucleotide position 3069. The methionine at codon 1023 is replaced by isoleucine, an amino acid with highly similar properties. This amino acid position is conserved. In addition, the in silico prediction for this alteration is inconclusive. Since supporting evidence is limited at this time, the clinical significance of this alteration remains unclear.